The following is an entry in ClinVar:

ClinVar aggregate classification (germline): Uncertain significance. Review status: criteria provided, multiple submitters, no conflicts (2 of 4 stars). 3 submissions from 3 submitters: Uncertain significance (3). Last evaluated 2025-06-16.

Conditions:
Inborn genetic diseases. Identifiers: MedGen C0950123, MeSH D030342.

Allele frequency attached by ClinVar (database versions not stated): gnomAD exomes 0.00005 and 0.00012; ExAC 0.00013; gnomAD 0.00044 and 0.00048; TOPMed 0.00054; ESP Exome Variant Server 0.00055.
gnomAD v4.1: 140 of 1,613,866 alleles (0.0087%); highest among the groups gnomAD compares: African/African-American, 0.15%; no homozygotes.

Submissions (3):

GeneDx
Classification: Uncertain significance. Last evaluated: 2025-06-16. Review status: criteria provided, single submitter. Criteria: GeneDx Variant Classification Process June 2021. Collection method: clinical testing. Allele origin: germline. Affected: yes.
Comment: In silico analysis suggests that this missense variant does not alter protein structure/function; Has not been previously published as pathogenic or benign to our knowledge

Ambry Genetics
Classification: Uncertain significance for Inborn genetic diseases. Last evaluated: 2024-07-30. Review status: criteria provided, single submitter. Criteria: Ambry Variant Classification Scheme 2023. Collection method: clinical testing. Allele origin: germline.

Labcorp Genetics (formerly Invitae), Labcorp
Classification: Uncertain significance. Last evaluated: 2018-05-12. Review status: criteria provided, single submitter. Criteria: Invitae Variant Classification Sherloc (09022015). Collection method: clinical testing. Allele origin: germline.
Comment: In summary, the available evidence is currently insufficient to determine the role of this variant in disease. Therefore, it has been classified as a Variant of Uncertain Significance. Algorithms developed to predict the effect of missense changes on protein structure and function are either unavailable or do not agree on the potential impact of this missense change (SIFT: "Deleterious"; PolyPhen-2: "Probably Damaging"; Align-GVGD: "Class C0"). This variant has not been reported in the literature in individuals with KY-related disease. This variant is present in population databases (rs200405017, ExAC 0.1%). This sequence change replaces arginine with histidine at codon 510 of the KY protein (p.Arg510His). The arginine residue is moderately conserved and there is a small physicochemical difference between arginine and histidine.

NM_178554.6(KY):c.1529G>A (p.Arg510His)

Genes: CEP63 (centrosomal protein 63; plus strand), KY (kyphoscoliosis peptidase; minus strand). Cytogenetic location: 3q22.2.
Variant type: single nucleotide variant.
Coding change: c.1529G>A on transcript NM_178554.6 (MANE Select); coding-DNA position 1529, G replaced by A.
Protein change: p.Arg510His; replaces arginine 510 with histidine.
Molecular consequence: missense variant.
Genome position (GRCh38, 1-based): chr3:134,604,036, C>T on the plus strand (G>A on the coding strand, the complement: KY is on the minus strand). VCF-style: chr3-134604036-C-T. GRCh37 (hg19) VCF-style: chr3-134322878-C-T.
Other names: c.1481G>A, p.Arg494His (NM_001350859.2); c.1466G>A, p.Arg489His (NM_001366276.1); c.1529G>A (NM_178554.4); short protein forms R489H, R494H, R510H.
Identifiers: ClinVar variation 1001027 (VCV001001027.11), dbSNP rs200405017, ClinGen allele CA2628977.
Genomic context (GRCh38, chr3:134,604,036, plus strand): 5'-GCATGGGGCAGCTGGACTTTCAGCTCGGTCTGCTTCTCCCGGTGCAGCTGGAAGATGTAG[C>T]GCCGCTGTGTCTCCTCAGTGATGGGGCCATCATCCCCGTGGAGGGAAGCCAGGACATTAA-3'
Protein context (NP_848649.3, residues 500-520): DGPITEETQR[Arg510His]YIFQLHREKQ